The following is an entry in ClinVar:

ClinVar aggregate classification (germline): Benign. Review status: criteria provided, multiple submitters, no conflicts (2 of 4 stars). 4 submissions from 4 submitters: Benign (3). 1 of the submissions does not count toward it. Last evaluated 2026-01-26.

Allele frequency attached by ClinVar (database versions not stated): TOPMed 0.00960; 1000 Genomes Project 30x 0.00984; 1000 Genomes Project 0.01058; gnomAD 0.01182 and 0.01243; ESP Exome Variant Server 0.01236; gnomAD exomes 0.01552 and 0.01709; ExAC 0.01689.
gnomAD v4.1: 26,664 of 1,611,158 alleles (1.7%); highest among the groups gnomAD compares: South Asian, 3.9%; 323 homozygotes.

Submissions (4):

Labcorp Genetics (formerly Invitae), Labcorp
Classification: Benign. Last evaluated: 2026-01-26. Review status: criteria provided, single submitter. Criteria: Invitae Variant Classification Sherloc (09022015). Collection method: clinical testing. Allele origin: germline.

GeneDx
Classification: Benign. Last evaluated: 2016-12-08. Review status: criteria provided, single submitter. Criteria: GeneDx Variant Classification (06012015). Collection method: clinical testing. Allele origin: germline. Affected: yes.
Comment: This variant is considered likely benign or benign based on one or more of the following criteria: it is a conservative change, it occurs at a poorly conserved position in the protein, it is predicted to be benign by multiple in silico algorithms, and/or has population frequency not consistent with disease.

Breakthrough Genomics
Classification: Benign. Review status: criteria provided, single submitter. Criteria: ACMG Guidelines, 2015. Collection method: not provided. Allele origin: germline. Inheritance: Autosomal recessive inheritance. Affected: yes.

Genetic Services Laboratory, University of Chicago
Classification: Likely benign for AllHighlyPenetrant. Review status: no assertion criteria provided. Collection method: clinical testing. Allele origin: germline. Inheritance: Autosomal recessive inheritance. Not counted in ClinVar's aggregate classification.
Comment: Likely benign based on allele frequency in 1000 Genomes Project or ESP global frequency and its presence in a patient with a rare or unrelated disease phenotype. NOT Sanger confirmed.

NM_173630.4(RTTN):c.1665C>A (p.Asn555Lys)

Gene: RTTN (rotatin; minus strand). Cytogenetic location: 18q22.2.
Variant type: single nucleotide variant.
Coding change: c.1665C>A on transcript NM_173630.4 (MANE Select); coding-DNA position 1665, C replaced by A.
Protein change: p.Asn555Lys; replaces asparagine 555 with lysine.
Molecular consequence: missense variant. On other transcripts: 5 prime UTR variant (1).
Genome position (GRCh38, 1-based): chr18:70,168,879, G>T on the plus strand (C>A on the coding strand, the complement: RTTN is on the minus strand). VCF-style: chr18-70168879-G-T. GRCh37 (hg19) VCF-style: chr18-67836115-G-T.
Other names: c.-983C>A (NM_001318520.2); short protein forms N555K.
Identifiers: ClinVar variation 130165 (VCV000130165.14), dbSNP rs34353615, ClinGen allele CA154984.